The following is an entry in ClinVar:

NM_177400.3(NKX6-2):c.579G>A (p.Lys193=)

Gene: NKX6-2 (NK6 homeobox 2; minus strand). Cytogenetic location: 10q26.3.
Variant type: single nucleotide variant.
Coding change: c.579G>A on transcript NM_177400.3 (MANE Select); coding-DNA position 579, G replaced by A.
Protein change: p.Lys193=; no amino-acid change (lysine 193 retained).
Molecular consequence: synonymous variant.
Genome position (GRCh38, 1-based): chr10:132,785,280, C>T on the plus strand (G>A on the coding strand, the complement: NKX6-2 is on the minus strand). VCF-style: chr10-132785280-C-T. GRCh37 (hg19) VCF-style: chr10-134598784-C-T.
Identifiers: ClinVar variation 1983833 (VCV001983833.4), dbSNP rs2493480518, ClinGen allele CA471962418.

ClinVar aggregate classification (germline): Uncertain significance (1 of 4 stars; one submission).

Allele frequency attached by ClinVar (database versions not stated): gnomAD exomes below 0.00001.

Submission:

Labcorp Genetics (formerly Invitae), Labcorp
Classification: Uncertain significance. Last evaluated: 2022-02-18. Review status: criteria provided, single submitter. Criteria: Invitae Variant Classification Sherloc (09022015). Collection method: clinical testing. Allele origin: germline.
Comment: This variant is not present in population databases (gnomAD no frequency). This sequence change affects codon 193 of the NKX6-2 mRNA. It is a 'silent' change, meaning that it does not change the encoded amino acid sequence of the NKX6-2 protein. This variant also falls at the last nucleotide of exon 2, which is part of the consensus splice site for this exon. This variant has not been reported in the literature in individuals affected with NKX6-2-related conditions. Variants that disrupt the consensus splice site are a relatively common cause of aberrant splicing (PMID: 17576681, 9536098). Algorithms developed to predict the effect of sequence changes on RNA splicing suggest that this variant may create or strengthen a splice site. In summary, the available evidence is currently insufficient to determine the role of this variant in disease. Therefore, it has been classified as a Variant of Uncertain Significance.

Literature cited by the submitters: PubMed 17576681; PubMed 9536098.